The following is an entry in ClinVar:

NM_000262.3(NAGA):c.110G>A (p.Arg37His)

Genes: NAGA (alpha-N-acetylgalactosaminidase; minus strand), LOC126863160 (CDK7 strongly-dependent group 2 enhancer GRCh37_chr22:42462918-42464117; plus strand). Cytogenetic location: 22q13.2.
Variant type: single nucleotide variant.
Coding change: c.110G>A on transcript NM_000262.3 (MANE Select); coding-DNA position 110, G replaced by A.
Protein change: p.Arg37His; replaces arginine 37 with histidine.
Molecular consequence: missense variant.
Genome position (GRCh38, 1-based): chr22:42,068,481, C>T on the plus strand (G>A on the coding strand, the complement: NAGA is on the minus strand). VCF-style: chr22-42068481-C-T. GRCh37 (hg19) VCF-style: chr22-42464485-C-T.
Other names: c.110G>A, p.Arg37His (NM_001362848.1, NM_001362850.1); short protein forms R37H.
Identifiers: ClinVar variation 341913 (VCV000341913.14), dbSNP rs199834981, ClinGen allele CA10263938.

ClinVar aggregate classification (germline): Uncertain significance. Review status: criteria provided, multiple submitters, no conflicts (2 of 4 stars). 3 submissions from 3 submitters: Uncertain significance (3). Last evaluated 2025-09-08.

Conditions:
Alpha-N-acetylgalactosaminidase deficiency type 1. Also called: SCHINDLER DISEASE, TYPE I; ALPHA-N-ACETYLGALACTOSAMINIDASE DEFICIENCY, TYPE I; NAGA DEFICIENCY, TYPE I; NEUROAXONAL DYSTROPHY, SCHINDLER TYPE. Identifiers: Orphanet 3137, Orphanet 79279, Orphanet 79281, MedGen C1836544, MONDO:0012221, OMIM 609241.
Inborn genetic diseases. Identifiers: MedGen C0950123, MeSH D030342.

Allele frequency attached by ClinVar (database versions not stated): ExAC 0.00003; gnomAD exomes 0.00006 and 0.00018; TOPMed 0.00006; gnomAD 0.00009; ESP Exome Variant Server 0.00015.
gnomAD v4.1: 280 of 1,614,032 alleles (0.017%); highest among the groups gnomAD compares: Non-Finnish European, 0.022%; 1 homozygote.

Submissions (3):

Labcorp Genetics (formerly Invitae), Labcorp
Classification: Uncertain significance for Alpha-N-acetylgalactosaminidase deficiency type 1. Last evaluated: 2025-09-08. Review status: criteria provided, single submitter. Criteria: Invitae Variant Classification Sherloc (09022015). Collection method: clinical testing. Allele origin: germline.
Comment: This sequence change replaces arginine, which is basic and polar, with histidine, which is basic and polar, at codon 37 of the NAGA protein (p.Arg37His). This variant is present in population databases (rs199834981, gnomAD 0.01%). This variant has not been reported in the literature in individuals affected with NAGA-related conditions. ClinVar contains an entry for this variant (Variation ID: 341913). Invitae Evidence Modeling of protein sequence and biophysical properties (such as structural, functional, and spatial information, amino acid conservation, physicochemical variation, residue mobility, and thermodynamic stability) has been performed for this missense variant. However, the output from this modeling did not meet the statistical confidence thresholds required to predict the impact of this variant on NAGA protein function. In summary, the available evidence is currently insufficient to determine the role of this variant in disease. Therefore, it has been classified as a Variant of Uncertain Significance.

Ambry Genetics
Classification: Uncertain significance for Inborn genetic diseases. Last evaluated: 2025-04-01. Review status: criteria provided, single submitter. Criteria: Ambry Variant Classification Scheme 2023. Collection method: clinical testing. Allele origin: germline.

Eurofins Ntd Llc (ga)
Classification: Uncertain significance. Last evaluated: 2018-05-02. Review status: criteria provided, single submitter. Criteria: EGL ClinVar v180209 classification definitions. Collection method: clinical testing. Allele origin: germline. Observed: 1 variant allele, 1 heterozygote.